The following is an entry in ClinVar:

ClinVar aggregate classification (germline): Benign. Review status: criteria provided, single submitter (1 of 4 stars). 2 submissions from 1 submitter: Benign (2). Last evaluated 2018-01-12.

Conditions:
Branchiootic syndrome 1 (BOS1). Also called: BO SYNDROME 1; BRANCHIOOTIC DYSPLASIA. Identifiers: MedGen C1865143, MONDO:0011258, OMIM 602588.
Otofaciocervical syndrome 1 (OTFCS). Identifiers: MedGen C3714941, MONDO:0024532, OMIM 166780.

Allele frequency attached by ClinVar (database versions not stated): gnomAD 0.00003 and 0.00005; TOPMed 0.00004; 1000 Genomes Project 0.00040; 1000 Genomes Project 30x 0.00062.
gnomAD v4.1: 9 of 152,510 alleles (0.0059%); highest among the groups gnomAD compares: East Asian, 0.14%; no homozygotes.

Submissions (2):

Illumina Laboratory Services, Illumina
Classification: Benign for Otofaciocervical syndrome 1. Last evaluated: 2018-01-12. Review status: criteria provided, single submitter. Criteria: ICSL Variant Classification Criteria 13 December 2019. Collection method: clinical testing. Allele origin: germline.
Comment: This variant was observed in the ICSL laboratory as part of a predisposition screen in an ostensibly healthy population. It had not been previously curated by ICSL or reported in the Human Gene Mutation Database (HGMD: prior to June 1st, 2018), and was therefore a candidate for classification through an automated scoring system. Utilizing variant allele frequency, disease prevalence and penetrance estimates, and inheritance mode, an automated score was calculated to assess if this variant is too frequent to cause the disease. Based on the score and internal cut-off values, a variant classified as benign is not then subjected to further curation. The score for this variant resulted in a classification of benign for this disease.

Illumina Laboratory Services, Illumina
Classification: Benign for Branchiootic syndrome. Last evaluated: 2018-01-12. Review status: criteria provided, single submitter. Criteria: ICSL Variant Classification Criteria 13 December 2019. Collection method: clinical testing. Allele origin: germline.
Comment: the same text as in the submission from Illumina Laboratory Services, Illumina above.

NM_000503.6(EYA1):c.*1890A>G

Gene: EYA1 (EYA transcriptional coactivator and phosphatase 1; minus strand). Cytogenetic location: 8q13.3.
Variant type: single nucleotide variant.
Coding change: c.*1890A>G on transcript NM_000503.6 (MANE Select); 1890 bases downstream of the stop codon, A replaced by G.
Molecular consequence: 3 prime UTR variant.
Genome position (GRCh38, 1-based): chr8:71,197,450, T>C on the plus strand (A>G on the coding strand, the complement: EYA1 is on the minus strand). VCF-style: chr8-71197450-T-C. GRCh37 (hg19) VCF-style: chr8-72109685-T-C.
Other names: c.*1890A>G (NM_001288574.2, NM_001288575.2, NM_001370333.1 and 5 more transcripts).
Identifiers: ClinVar variation 363621 (VCV000363621.5), dbSNP rs377092983, ClinGen allele CA10631450.